The following is an entry in ClinVar:

ClinVar aggregate classification (germline): Uncertain significance (1 of 4 stars; one submission).

gnomAD v4.1: 102 of 1,562,912 alleles (0.0065%); highest among the groups gnomAD compares: African/African-American, 0.12%; no homozygotes.

Submission:

Dasa
Classification: Uncertain significance. Last evaluated: 2025-03-11. Review status: criteria provided, single submitter. Criteria: DASA Assertion Criteria. Collection method: clinical testing. Allele origin: germline.
Comment: NM_003086.4(SNAPC4):c.1735A>G (p.Thr579Ala) is a missense variant that results in the substitution of threonine with alanine. This variant is rare in population databases. Computational prediction algorithms are consistent with a benign effect. The currently available literature and clinical evidence are not sufficient to establish a definitive association between this variant and the reported condition. Therefore, this variant is classified as a variant of uncertain significance.

NM_003086.4(SNAPC4):c.1735A>G (p.Thr579Ala)

Gene: SNAPC4 (small nuclear RNA activating complex polypeptide 4; minus strand). Cytogenetic location: 9q34.3.
Variant type: single nucleotide variant.
Coding change: c.1735A>G on transcript NM_003086.4 (MANE Select); coding-DNA position 1735, A replaced by G.
Protein change: p.Thr579Ala; replaces threonine 579 with alanine.
Molecular consequence: missense variant.
Genome position (GRCh38, 1-based): chr9:136,383,434, T>C on the plus strand (A>G on the coding strand, the complement: SNAPC4 is on the minus strand). VCF-style: chr9-136383434-T-C. GRCh37 (hg19) VCF-style: chr9-139277886-T-C.
Other names: c.1735A>G, p.Thr579Ala (NM_001394201.1, NM_001394202.1, NM_001394203.1); short protein forms T579A.
Identifiers: ClinVar variation 4881520 (VCV004881520.2).
Genomic context (GRCh38, chr9:136,383,434, plus strand): 5'-TGAGGGAGGCAGCGGGGCCTCCCAGCCAGGCCCCTGCCCCTCCTCTCCATGGCTGGCTGG[T>C]GCTCTGCCTGGCAGGAACCCACAGGTCCATGTCCGGGACCATGTACTGTGGGGACAGCAG-3'
Protein context (NP_003077.2, residues 569-589): MDLWVPARQS[Thr579Ala]SQPWRGGAGA